The following is an entry in ClinVar:

NM_000430.4(PAFAH1B1):c.23G>A (p.Arg8Gln)

Gene: PAFAH1B1 (platelet activating factor acetylhydrolase 1b regulatory subunit 1; plus strand). Cytogenetic location: 17p13.3.
Variant type: single nucleotide variant.
Coding change: c.23G>A on transcript NM_000430.4 (MANE Select); coding-DNA position 23, G replaced by A.
Protein change: p.Arg8Gln; replaces arginine 8 with glutamine.
Molecular consequence: missense variant.
Genome position (GRCh38, 1-based): chr17:2,638,311, G>A. VCF-style: chr17-2638311-G-A. GRCh37 (hg19) VCF-style: chr17-2541605-G-A.
Other names: short protein forms R8Q.
Identifiers: ClinVar variation 4697978 (VCV004697978.1).
Genomic context (GRCh38, chr17:2,638,311, plus strand): 5'-ATACCACTATATCAGATAAGCTTGACATTACAGCCAAGATGGTGCTGTCCCAGAGACAAC[G>A]AGATGAACTGTAAGTTTCTTTGTTTTGTGCTTTAAAAAAAATCTCCCTCATGAGAGAGAA-3'
Protein context (NP_000421.1, residues 1-18): MVLSQRQ[Arg8Gln]DELNRAIADY

ClinVar aggregate classification (germline): Uncertain significance (1 of 4 stars; one submission).

gnomAD v4.1: 5 of 1,612,892 alleles (0.00031%); highest among the groups gnomAD compares: East Asian, 0.0022%; no homozygotes.

Submission:

Labcorp Genetics (formerly Invitae), Labcorp
Classification: Uncertain significance. Last evaluated: 2025-10-07. Review status: criteria provided, single submitter. Criteria: Invitae Variant Classification Sherloc (09022015). Collection method: clinical testing. Allele origin: germline.
Comment: This sequence change replaces arginine, which is basic and polar, with glutamine, which is neutral and polar, at codon 8 of the PAFAH1B1 protein (p.Arg8Gln). This variant is present in population databases (rs372974127, gnomAD 0.007%). This variant has not been reported in the literature in individuals affected with PAFAH1B1-related conditions. An algorithm developed to predict the effect of missense changes on protein structure and function (PolyPhen-2) suggests that this variant is likely to be tolerated. In summary, the available evidence is currently insufficient to determine the role of this variant in disease. Therefore, it has been classified as a Variant of Uncertain Significance.